The following is an entry in ClinVar:

ClinVar aggregate classification (germline): Uncertain significance (1 of 4 stars; one submission).

Conditions:
Catecholaminergic polymorphic ventricular tachycardia 1. Also called: VENTRICULAR TACHYCARDIA, STRESS-INDUCED POLYMORPHIC 1; VENTRICULAR TACHYCARDIA, CATECHOLAMINERGIC POLYMORPHIC, 1, WITH OR WITHOUT ATRIAL DYSFUNCTION AND/OR DILATED CARDIOMYOPATHY; RYR2-Related Catecholaminergic Polymorphic Ventricular Tachycardia. Identifiers: Orphanet 3286, MedGen C1631597, MONDO:0011484, OMIM 604772.

Submission:

Labcorp Genetics (formerly Invitae), Labcorp
Classification: Uncertain significance for Catecholaminergic polymorphic ventricular tachycardia 1. Last evaluated: 2023-07-24. Review status: criteria provided, single submitter. Criteria: Invitae Variant Classification Sherloc (09022015). Collection method: clinical testing. Allele origin: germline.
Comment: This variant, c.1597_1602del, results in the deletion of 2 amino acid(s) of the RYR2 protein (p.Leu533_Tyr534del), but otherwise preserves the integrity of the reading frame. This variant is not present in population databases (gnomAD no frequency). This variant has not been reported in the literature in individuals affected with RYR2-related conditions. Experimental studies and prediction algorithms are not available or were not evaluated, and the functional significance of this variant is currently unknown. In summary, the available evidence is currently insufficient to determine the role of this variant in disease. Therefore, it has been classified as a Variant of Uncertain Significance.

NM_001035.3(RYR2):c.1597_1602del (p.Leu533_Tyr534del)

Gene: RYR2 (ryanodine receptor 2; plus strand). Cytogenetic location: 1q43.
Variant type: Deletion.
Coding change: c.1597_1602del on transcript NM_001035.3 (MANE Select); coding-DNA positions 1597 to 1602, 6 bases deleted (CTGTAT; older notation c.1597_1602delCTGTAT).
Protein change: p.Leu533_Tyr534del.
Molecular consequence: inframe deletion.
Genome position (GRCh38, 1-based): chr1:237,456,720-237,456,725, CTGTAT deleted; deleting any 6 consecutive bases within chr1:237,456,719-237,456,725 gives the same sequence; the c. name uses the placement nearest the transcript's 3' end. VCF-style (leftmost placement, unchanged base first): chr1-237456718-CTCTGTA-C. GRCh37 (hg19) VCF-style: chr1-237620018-CTCTGTA-C.
Identifiers: ClinVar variation 2746172 (VCV002746172.3), dbSNP rs2528562735, ClinGen allele CA2697547719.